The following is an entry in ClinVar:

NM_032638.5(GATA2):c.95A>G (p.Asn32Ser)

Gene: GATA2 (GATA binding protein 2; minus strand). Cytogenetic location: 3q21.3.
Variant type: single nucleotide variant.
Coding change: c.95A>G on transcript NM_032638.5 (MANE Select); coding-DNA position 95, A replaced by G.
Protein change: p.Asn32Ser; replaces asparagine 32 with serine.
Molecular consequence: missense variant.
Genome position (GRCh38, 1-based): chr3:128,486,937, T>C on the plus strand (A>G on the coding strand, the complement: GATA2 is on the minus strand). VCF-style: chr3-128486937-T-C. GRCh37 (hg19) VCF-style: chr3-128205780-T-C.
Other names: c.95A>G, p.Asn32Ser (NM_001145661.2, NM_001145662.1); short protein forms N32S.
Identifiers: ClinVar variation 1904466 (VCV001904466.6), dbSNP rs1237254296, ClinGen allele CA354408919.

ClinVar aggregate classification (germline): Uncertain significance. Review status: criteria provided, multiple submitters, no conflicts (2 of 4 stars). 2 submissions from 2 submitters: Uncertain significance (2). Last evaluated 2025-05-27.

Conditions:
Monocytopenia with susceptibility to infections. Also called: IMMUNODEFICIENCY 21; MONOCYTOPENIA AND MYCOBACTERIAL INFECTION SYNDROME; MONOCYTOPENIA WITH SUSCEPTIBILITY TO MYCOBACTERIAL, FUNGAL, AND PAPILLOMAVIRUS INFECTIONS AND MYELODYSPLASIA; COMBINED IMMUNODEFICIENCY WITH SUSCEPTIBILITY TO MYCOBACTERIAL, VIRAL, AND FUNGAL INFECTIONS; Dendritic cell, monocyte, B lymphocyte, and natural killer lymphocyte deficiency; GATA2 DEFICIENCY. Identifiers: Orphanet 228423, MedGen C3280030, MONDO:0013607, OMIM 614172.
Deafness-lymphedema-leukemia syndrome. Also called: Lymphedema, primary, with myelodysplasia; Emberger syndrome. Identifiers: Orphanet 3226, MedGen C3279664, MONDO:0013540, OMIM 614038.
Inborn genetic diseases. Identifiers: MedGen C0950123, MeSH D030342.

Allele frequency attached by ClinVar (database versions not stated): TOPMed 0.00002; gnomAD exomes below 0.00001.
gnomAD v4.1: 2 of 1,613,074 alleles (0.00012%); highest among the groups gnomAD compares: East Asian, 0.0022%; no homozygotes.

Submissions (2):

Labcorp Genetics (formerly Invitae), Labcorp
Classification: Uncertain significance for Monocytopenia with susceptibility to infections; Deafness-lymphedema-leukemia syndrome. Last evaluated: 2025-05-27. Review status: criteria provided, single submitter. Criteria: Invitae Variant Classification Sherloc (09022015). Collection method: clinical testing. Allele origin: germline.
Comment: This sequence change replaces asparagine, which is neutral and polar, with serine, which is neutral and polar, at codon 32 of the GATA2 protein (p.Asn32Ser). This variant is not present in population databases (gnomAD no frequency). This variant has not been reported in the literature in individuals affected with GATA2-related conditions. ClinVar contains an entry for this variant (Variation ID: 1904466). Invitae Evidence Modeling of protein sequence and biophysical properties (such as structural, functional, and spatial information, amino acid conservation, physicochemical variation, residue mobility, and thermodynamic stability) indicates that this missense variant is not expected to disrupt GATA2 protein function with a negative predictive value of 95%. In summary, the available evidence is currently insufficient to determine the role of this variant in disease. Therefore, it has been classified as a Variant of Uncertain Significance.

Ambry Genetics
Classification: Uncertain significance for Inborn genetic diseases. Last evaluated: 2025-02-08. Review status: criteria provided, single submitter. Criteria: Ambry Variant Classification Scheme 2023. Collection method: clinical testing. Allele origin: germline.
Comment: The p.N32S variant (also known as c.95A>G), located in coding exon 1 of the GATA2 gene, results from an A to G substitution at nucleotide position 95. The asparagine at codon 32 is replaced by serine, an amino acid with highly similar properties. This amino acid position is conserved. In addition, this alteration is predicted to be tolerated by in silico analysis. Based on the available evidence, the clinical significance of this variant remains unclear.